The following is an entry in ClinVar:

ClinVar aggregate classification (germline): Uncertain significance (1 of 4 stars; one submission).

Conditions:
Joubert syndrome 23 (JBTS23). Identifiers: Orphanet 475, MedGen C4084822, MONDO:0014664, OMIM 616490.
Short-rib thoracic dysplasia 14 with polydactyly (SRTD14). Identifiers: Orphanet 397715, MedGen C4225286, MONDO:0014688, OMIM 616546.

Submission:

Labcorp Genetics (formerly Invitae), Labcorp
Classification: Uncertain significance for Joubert syndrome 23; Short-rib thoracic dysplasia 14 with polydactyly. Last evaluated: 2022-06-10. Review status: criteria provided, single submitter. Criteria: Invitae Variant Classification Sherloc (09022015). Collection method: clinical testing. Allele origin: germline.
Comment: In summary, the available evidence is currently insufficient to determine the role of this variant in disease. Therefore, it has been classified as a Variant of Uncertain Significance. Algorithms developed to predict the effect of missense changes on protein structure and function (SIFT, PolyPhen-2, Align-GVGD) all suggest that this variant is likely to be tolerated. This variant has not been reported in the literature in individuals affected with KIAA0586-related conditions. This variant is not present in population databases (gnomAD no frequency). This sequence change replaces serine, which is neutral and polar, with alanine, which is neutral and non-polar, at codon 1612 of the KIAA0586 protein (p.Ser1612Ala).

NM_001329943.3(KIAA0586):c.4590T>G (p.Ser1530=)

Gene: KIAA0586 (KIAA0586; plus strand). Cytogenetic location: 14q23.1.
Variant type: single nucleotide variant.
Coding change: c.4590T>G on transcript NM_001329943.3 (MANE Select); coding-DNA position 4590, T replaced by G.
Protein change: p.Ser1530=; no amino-acid change (serine 1530 retained).
Molecular consequence: synonymous variant. On other transcripts: missense variant (2).
Genome position (GRCh38, 1-based): chr14:58,547,875, T>G. VCF-style: chr14-58547875-T-G. GRCh37 (hg19) VCF-style: chr14-59014593-T-G.
Other names: c.4834T>G, p.Ser1612Ala (NM_001244189.2); c.4545T>G, p.Ser1515= (NM_001244190.2); c.4335T>G, p.Ser1445= (NM_001244191.2, NM_001364701.2); c.4458T>G, p.Ser1486= (NM_001244192.2, NM_001329947.2); c.4675T>G, p.Ser1559Ala (NM_001329944.2); c.4269T>G, p.Ser1423= (NM_001329945.2); c.4524T>G, p.Ser1508= (NM_001329946.2); c.4362T>G, p.Ser1454= (NM_014749.5); short protein forms S1612A, S1559A.
Identifiers: ClinVar variation 1523347 (VCV001523347.8), dbSNP rs2140157005, ClinGen allele CA390059476.